The following is an entry in ClinVar:

ClinVar aggregate classification (germline): Uncertain significance (1 of 4 stars; one submission).

gnomAD v4.1: 21 of 1,569,714 alleles (0.0013%); highest among the groups gnomAD compares: East Asian, 0.047%; 1 homozygote.

Submission:

Women's Health and Genetics/Laboratory Corporation of America, LabCorp
Classification: Uncertain significance. Last evaluated: 2026-04-28. Review status: criteria provided, single submitter. Criteria: LabCorp Variant Classification Summary - May 2015. Collection method: clinical testing. Allele origin: germline.
Comment: Variant summary: PKD1 c.6475G>T (p.Val2159Leu) results in a conservative amino acid change in the encoded protein sequence. Algorithms developed to predict the effect of missense changes on protein structure and function are either unavailable or do not agree on the potential impact of this missense change. The variant allele was found at a frequency of 1.7e-05 in 178756 control chromosomes. The available data on variant occurrences in the general population are insufficient to allow any conclusion about variant significance. c.6475G>T has been observed in individuals affected with Polycystic Kidney Disease (e.g. Kim_2019, Xu_2024, Duan_2024). However, these reports do not provide unequivocal conclusions about association of the variant with PKD1-related conditions. To our knowledge, no experimental evidence demonstrating an impact on protein function has been reported. The following publications have been ascertained in the context of this evaluation (PMID: 39019822, 31740684, 27835667, 38527221). No submitters have cited clinical-significance assessments for this variant to ClinVar. Based on the evidence outlined above, the variant was classified as uncertain significance.

Literature cited by the submitters: PubMed 31740684; PubMed 39019822; PubMed 38527221; PubMed 27835667.

NM_001009944.3(PKD1):c.6475G>T (p.Val2159Leu)

Gene: PKD1 (polycystin 1, transient receptor potential channel interacting; minus strand). Cytogenetic location: 16p13.3.
Variant type: single nucleotide variant.
Coding change: c.6475G>T on transcript NM_001009944.3 (MANE Select); coding-DNA position 6475, G replaced by T.
Protein change: p.Val2159Leu; replaces valine 2159 with leucine.
Molecular consequence: missense variant.
Genome position (GRCh38, 1-based): chr16:2,108,692, C>A on the plus strand (G>T on the coding strand, the complement: PKD1 is on the minus strand). VCF-style: chr16-2108692-C-A. GRCh37 (hg19) VCF-style: chr16-2158693-C-A.
Other names: c.6475G>T, p.Val2159Leu (NM_000296.4); short protein forms V2159L.
Identifiers: ClinVar variation 4848899 (VCV004848899.1).